The following is an entry in ClinVar:

NM_001085487.3(MYSM1):c.237dup (p.Ser80fs)

Gene: MYSM1 (Myb like, SWIRM and MPN domains 1; minus strand). Cytogenetic location: 1p32.1.
Variant type: Duplication.
Coding change: c.237dup on transcript NM_001085487.3 (MANE Select); coding-DNA position 237, one base duplicated (A; older notation c.237dupA).
Protein change: p.Ser80fs; shifts the reading frame from serine 80.
Molecular consequence: frameshift variant.
Genome position (GRCh38, 1-based): chr1:58,690,399, T duplicated on the plus strand (A on the coding strand, the reverse complement: MYSM1 is on the minus strand); the first of 6 consecutive T bases (chr1:58,690,399-58,690,404); duplicating any one gives the same sequence. VCF-style (leftmost placement, unchanged base first): chr1-58690398-A-AT. GRCh37 (hg19) VCF-style: chr1-59156070-A-AT.
Other names: short protein forms S80fs.
Identifiers: ClinVar variation 4852638 (VCV004852638.2).

ClinVar aggregate classification (germline): Likely pathogenic (1 of 4 stars; one submission).

Submission:

Dasa
Classification: Likely pathogenic. Last evaluated: 2025-09-26. Review status: criteria provided, single submitter. Criteria: DASA Assertion Criteria. Collection method: clinical testing. Allele origin: germline.
Comment: NM_001085487.3(MYSM1):c.237dup (p.Ser80Ilefs*9) is a frameshift variant in MYSM1 predicted to alter the reading frame and introduce a premature termination codon and is predicted to result in an absent or altered protein product. Loss of function is an established disease mechanism for MYSM1-associated disorders. Also, this variant is rare in population databases. Based on the currently available evidence, this variant is classified as likely pathogenic.